The following is an entry in ClinVar:

NM_002880.4(RAF1):c.424-6T>C

Gene: RAF1 (Raf-1 proto-oncogene, serine/threonine kinase; minus strand). Cytogenetic location: 3p25.2.
Variant type: single nucleotide variant.
Coding change: c.424-6T>C on transcript NM_002880.4 (MANE Select); 6 bases into the intron before coding-DNA position 424, T replaced by C.
Molecular consequence: intron variant.
Genome position (GRCh38, 1-based): chr3:12,608,929, A>G on the plus strand (T>C on the coding strand, the complement: RAF1 is on the minus strand). VCF-style: chr3-12608929-A-G. GRCh37 (hg19) VCF-style: chr3-12650428-A-G.
Other names: c.181-6T>C (NM_001354695.3, NM_001354692.3, NM_001354694.3 and 1 more transcripts); c.424-6T>C (NM_001354693.3, NM_001354689.3, NM_001354690.3).
Identifiers: ClinVar variation 632965 (VCV000632965.7), dbSNP rs983999914, ClinGen allele CA69622860.

ClinVar aggregate classification (germline): Likely benign. Review status: criteria provided, multiple submitters, no conflicts (2 of 4 stars). 2 submissions from 2 submitters: Likely benign (2). Last evaluated 2025-04-29.

Conditions:
RASopathy. Also called: Noonan spectrum disorder; rasopathies. Identifiers: Orphanet 536391, MedGen C5555857, MONDO:0021060.

Allele frequency attached by ClinVar (database versions not stated): gnomAD exomes below 0.00001; gnomAD 0.00001; TOPMed 0.00001.
gnomAD v4.1: 2 of 1,613,988 alleles (0.00012%); highest among the groups gnomAD compares: Admixed American, 0.0017%; no homozygotes.

Submissions (2):

Women's Health and Genetics/Laboratory Corporation of America, LabCorp
Classification: Likely benign. Last evaluated: 2025-04-29. Review status: criteria provided, single submitter. Criteria: LabCorp Variant Classification Summary - May 2015. Collection method: clinical testing. Allele origin: germline.
Comment: Variant summary: RAF1 c.424-6T>C alters a conserved nucleotide located at a position not widely known to affect splicing. Consensus agreement among computation tools predict no significant impact on normal splicing. However, these predictions have yet to be confirmed by functional studies. The variant allele was found at a frequency of 4e-06 in 251268 control chromosomes. The available data on variant occurrences in the general population are insufficient to allow any conclusion about variant significance. c.424-6T>C has been reported in the literature as a somatic mutation in colorectal cancer (CGAN_2012). These report(s) do not provide unequivocal conclusions about association of the variant with Noonan Syndrome And Related Conditions. To our knowledge, no experimental evidence demonstrating an impact on protein function has been reported. The following publication has been ascertained in the context of this evaluation (PMID: 22810696). ClinVar contains an entry for this variant (Variation ID: 632965). Based on the evidence outlined above, the variant was classified as likely benign.

Labcorp Genetics (formerly Invitae), Labcorp
Classification: Likely benign for RASopathy. Last evaluated: 2025-01-31. Review status: criteria provided, single submitter. Criteria: Invitae Variant Classification Sherloc (09022015). Collection method: clinical testing. Allele origin: germline.

Literature cited by the submitters: PubMed 22810696 (cited by Women's Health and Genetics/Laboratory Corporation of America, LabCorp).